The following is an entry in ClinVar:

ClinVar aggregate classification (germline): Uncertain significance (1 of 4 stars; one submission).

Submission:

GeneDx
Classification: Uncertain significance. Last evaluated: 2024-02-05. Review status: criteria provided, single submitter. Criteria: GeneDx Variant Classification Process June 2021. Collection method: clinical testing. Allele origin: germline. Affected: yes.
Comment: Not observed at significant frequency in large population cohorts (gnomAD); In silico analysis supports that this missense variant has a deleterious effect on protein structure/function; This substitution is predicted to be within the transmembrane segment S2 of the first homologous domain; Has not been previously published as pathogenic or benign to our knowledge

NM_001040142.2(SCN2A):c.482C>T (p.Thr161Ile)

Gene: SCN2A (sodium voltage-gated channel alpha subunit 2; plus strand). Cytogenetic location: 2q24.3.
Variant type: single nucleotide variant.
Coding change: c.482C>T on transcript NM_001040142.2 (MANE Select); coding-DNA position 482, C replaced by T.
Protein change: p.Thr161Ile; replaces threonine 161 with isoleucine.
Molecular consequence: missense variant.
Genome position (GRCh38, 1-based): chr2:165,308,671, C>T. VCF-style: chr2-165308671-C-T. GRCh37 (hg19) VCF-style: chr2-166165181-C-T.
Other names: c.482C>T, p.Thr161Ile (NM_001040143.2, NM_001371246.1, NM_001371247.1 and 1 more transcripts); short protein forms T161I.
Identifiers: ClinVar variation 3343104 (VCV003343104.1).